The following is an entry in ClinVar:

ClinVar aggregate classification (germline): Pathogenic (1 of 4 stars; one submission).

Conditions:
Familial cancer of breast. Also called: Hereditary breast cancer; BREAST CANCER, FAMILIAL; hereditary breast carcinoma. Identifiers: Orphanet 227535, MedGen C0346153, MONDO:0016419, OMIM 114480. Disease mechanism: loss of function.

Submission:

Myriad Genetics, Inc.
Classification: Pathogenic for Familial cancer of breast. Last evaluated: 2023-05-24. Review status: criteria provided, single submitter. Criteria: Myriad Autosomal Dominant, Autosomal Recessive and X-Linked Classification Criteria (2023). Collection method: clinical testing. Allele origin: unknown.
Comment: This variant is considered pathogenic. This variant creates a frameshift predicted to result in premature protein truncation.

NM_000465.4(BARD1):c.1854_1855dup (p.Lys619fs)

Gene: BARD1 (BRCA1 associated RING domain 1; minus strand). Cytogenetic location: 2q35.
Variant type: Duplication.
Coding change: c.1854_1855dup on transcript NM_000465.4 (MANE Select); coding-DNA positions 1854 to 1855, 2 bases duplicated (GA; older notation c.1854_1855dupGA).
Protein change: p.Lys619fs; shifts the reading frame from lysine 619.
Molecular consequence: frameshift variant. On other transcripts: non-coding transcript variant (3), intron variant (1).
Genome position (GRCh38, 1-based): chr2:214,745,115-214,745,116, TC duplicated on the plus strand (GA on the coding strand, the reverse complement: BARD1 is on the minus strand). VCF-style (leftmost placement, unchanged base first): chr2-214745114-T-TTC. GRCh37 (hg19) VCF-style: chr2-215609838-T-TTC.
Other names: c.1797_1798dup, p.Lys600fs (NM_001282543.2); c.501_502dup, p.Lys168fs (NM_001282545.2); c.444_445dup, p.Lys149fs (NM_001282548.2); c.365-14608_365-14607dup (NM_001282549.2); short protein forms K149fs, K168fs, K600fs, K619fs.
Identifiers: ClinVar variation 2583377 (VCV002583377.2), dbSNP rs2469338042, ClinGen allele CA2582342059.